The following is an entry in ClinVar:

ClinVar aggregate classification (germline): Pathogenic. Review status: reviewed by expert panel (3 of 4 stars). 2 submissions from 2 submitters: Pathogenic (1). 1 of the submissions does not count toward it. Last evaluated 2017-12-15.

Conditions:
Familial cancer of breast. Also called: BREAST CANCER, FAMILIAL; Hereditary breast cancer; hereditary breast carcinoma. Identifiers: Orphanet 227535, MedGen C0346153, MONDO:0016419, OMIM 114480. Disease mechanism: loss of function.
Breast-ovarian cancer, familial, susceptibility to, 2 (BROVCA2). Also called: BRCA2 Hereditary Breast and Ovarian Cancer. Identifiers: Orphanet 145, MedGen C2675520, MONDO:0012933, OMIM 612555. Disease mechanism: loss of function.

Submissions (2):

Evidence-based Network for the Interpretation of Germline Mutant Alleles (ENIGMA)
Classification: Pathogenic for Breast-ovarian cancer, familial, susceptibility to, 2. Last evaluated: 2017-12-15. Review status: reviewed by expert panel. Criteria: ENIGMA BRCA1/2 Classification Criteria (2017-06-29). Collection method: curation. Allele origin: germline. Study: ENIGMA.
Comment: Variant allele predicted to encode a truncated non-functional protein.

ClinVar Staff, National Center for Biotechnology Information (NCBI)
No classification provided. Condition: Familial cancer of breast. Review status: no classification provided. Collection method: literature only. Allele origin: germline. Affected: yes. Not counted in ClinVar's aggregate classification.

Literature cited by the submitters: PubMed 22762150 (cited by ClinVar Staff, National Center for Biotechnology Information (NCBI)).

NM_000059.4(BRCA2):c.6684del (p.Glu2229fs)

Gene: BRCA2 (BRCA2 DNA repair associated; plus strand). Cytogenetic location: 13q13.1.
Variant type: Deletion.
Coding change: c.6684del on transcript NM_000059.4 (MANE Select); coding-DNA position 6684, one base deleted (A; older notation c.6684delA).
Protein change: p.Glu2229fs; shifts the reading frame from glutamic acid 2229.
Molecular consequence: frameshift variant.
Genome position (GRCh38, 1-based): chr13:32,341,039, A deleted. VCF-style (leftmost placement, unchanged base first): chr13-32341038-TA-T. GRCh37 (hg19) VCF-style: chr13-32915175-TA-T.
Other names: c.6684delA (NM_000059.3); short protein forms E2229fs.
Identifiers: ClinVar variation 52157 (VCV000052157.3), dbSNP rs397507876, ClinGen allele CA024290.